The following is an entry in ClinVar:

NM_032119.4(ADGRV1):c.11103A>G (p.Ile3701Met)

Gene: ADGRV1 (adhesion G protein-coupled receptor V1; plus strand). Cytogenetic location: 5q14.3.
Variant type: single nucleotide variant.
Coding change: c.11103A>G on transcript NM_032119.4 (MANE Select); coding-DNA position 11103, A replaced by G.
Protein change: p.Ile3701Met; replaces isoleucine 3701 with methionine.
Molecular consequence: missense variant. On other transcripts: non-coding transcript variant (1).
Genome position (GRCh38, 1-based): chr5:90,750,679, A>G. VCF-style: chr5-90750679-A-G. GRCh37 (hg19) VCF-style: chr5-90046496-A-G.
Other names: c.11103A>G (NM_032119.3); short protein forms I3701M.
Identifiers: ClinVar variation 2967462 (VCV002967462.4), dbSNP rs756181052, ClinGen allele CA3340893.

ClinVar aggregate classification (germline): Conflicting classifications of pathogenicity. Review status: criteria provided, conflicting classifications (1 of 4 stars). 2 submissions from 2 submitters: Uncertain significance (1); Likely benign (1). Last evaluated 2026-09-21.

Conditions:
ADGRV1-related disorder. Also called: ADGRV1-related condition; ADGRV1-related disorders.

Allele frequency attached by ClinVar (database versions not stated): TOPMed 0.00002; gnomAD 0.00003.
gnomAD v4.1: 6 of 1,612,160 alleles (0.00037%); highest among the groups gnomAD compares: African/African-American, 0.008%; no homozygotes.

Submissions (2):

PreventionGenetics, part of Exact Sciences
Classification: Uncertain significance for ADGRV1-related condition. Last evaluated: 2026-09-21. Review status: criteria provided, single submitter. Criteria: ACMG Guidelines, 2015. Collection method: clinical testing. Allele origin: germline.
Comment: The ADGRV1 c.11103A>G variant is predicted to result in the amino acid substitution p.Ile3701Met. To our knowledge, this variant has not been reported in the literature. This variant is reported in 0.0083% of alleles in individuals of African descent in gnomAD. At this time, the clinical significance of this variant is uncertain due to the absence of conclusive functional and genetic evidence.

Labcorp Genetics (formerly Invitae), Labcorp
Classification: Likely benign. Last evaluated: 2024-02-05. Review status: criteria provided, single submitter. Criteria: Invitae Variant Classification Sherloc (09022015). Collection method: clinical testing. Allele origin: germline.